The following is an entry in ClinVar:

NM_080680.3(COL11A2):c.1544A>T (p.Asp515Val)

Gene: COL11A2 (collagen type XI alpha 2 chain; minus strand). Cytogenetic location: 6p21.32.
Variant type: single nucleotide variant.
Coding change: c.1544A>T on transcript NM_080680.3 (MANE Select); coding-DNA position 1544, A replaced by T.
Protein change: p.Asp515Val; replaces aspartic acid 515 with valine.
Molecular consequence: missense variant.
Genome position (GRCh38, 1-based): chr6:33,179,244, T>A on the plus strand (A>T on the coding strand, the complement: COL11A2 is on the minus strand). VCF-style: chr6-33179244-T-A. GRCh37 (hg19) VCF-style: chr6-33147021-T-A.
Other names: c.1364A>T, p.Asp455Val (NM_001424108.1); c.698A>T, p.Asp233Val (NM_001424109.1); c.518A>T, p.Asp173Val (NM_001424110.1, NM_001424111.1); c.1223A>T, p.Asp408Val (NM_080679.3); c.1286A>T, p.Asp429Val (NM_080681.3); short protein forms D173V, D233V, D408V, D515V, D429V, D455V.
Identifiers: ClinVar variation 4754406 (VCV004754406.1).

ClinVar aggregate classification (germline): Uncertain significance (1 of 4 stars; one submission).

gnomAD v4.1: 2 of 1,611,674 alleles (0.00012%); highest among the groups gnomAD compares: Non-Finnish European, 0.00017%; no homozygotes.

Submission:

Labcorp Genetics (formerly Invitae), Labcorp
Classification: Uncertain significance. Last evaluated: 2025-03-11. Review status: criteria provided, single submitter. Criteria: Invitae Variant Classification Sherloc (09022015). Collection method: clinical testing. Allele origin: germline.
Comment: This sequence change replaces aspartic acid, which is acidic and polar, with valine, which is neutral and non-polar, at codon 515 of the COL11A2 protein (p.Asp515Val). This variant is not present in population databases (gnomAD no frequency). This variant has not been reported in the literature in individuals affected with COL11A2-related conditions. Invitae Evidence Modeling of protein sequence and biophysical properties (such as structural, functional, and spatial information, amino acid conservation, physicochemical variation, residue mobility, and thermodynamic stability) indicates that this missense variant is not expected to disrupt COL11A2 protein function with a negative predictive value of 95%. In summary, the available evidence is currently insufficient to determine the role of this variant in disease. Therefore, it has been classified as a Variant of Uncertain Significance.